The following is an entry in ClinVar:

ClinVar aggregate classification (germline): Uncertain significance (1 of 4 stars; one submission).

Conditions:
Hereditary cancer-predisposing syndrome. Also called: Neoplastic Syndromes, Hereditary; Tumor predisposition; Hereditary Cancer Syndrome; Hereditary neoplastic syndrome. Identifiers: Orphanet 140162, MedGen C0027672, MeSH D009386, MONDO:0015356.

Submission:

Ambry Genetics
Classification: Uncertain significance for Hereditary cancer-predisposing syndrome. Last evaluated: 2025-09-08. Review status: criteria provided, single submitter. Criteria: Ambry Variant Classification Scheme 2023. Collection method: clinical testing. Allele origin: germline.
Comment: The c.1766_1767delGCinsTT variant (also known as p.S589I), located in coding exon 9 of the BRCA1 gene, results from an in-frame deletion of GC and insertion of TT at nucleotide positions 1766 to 1767. This results in the substitution of the serine residue for an isoleucine residue at codon 589, an amino acid with dissimilar properties. This amino acid position is not well conserved in available vertebrate species. In addition, the in silico prediction for this alteration is inconclusive. Based on the available evidence, the clinical significance of this variant remains unclear.

NM_007294.4(BRCA1):c.1766_1767delinsTT (p.Ser589Ile)

Gene: BRCA1 (BRCA1 DNA repair associated; minus strand). Cytogenetic location: 17q21.31.
Variant type: Indel.
Coding change: c.1766_1767delinsTT on transcript NM_007294.4 (MANE Select); coding-DNA positions 1766 to 1767, GC replaced by TT.
Protein change: p.Ser589Ile; replaces serine 589 with isoleucine.
Molecular consequence: missense variant. On other transcripts: intron variant (137).
Genome position (GRCh38, 1-based): chr17:43,093,764-43,093,765, GC replaced by AA on the plus strand (GC replaced by TT on the coding strand, the reverse complement: BRCA1 is on the minus strand). VCF-style: chr17-43093764-GC-AA. GRCh37 (hg19) VCF-style: chr17-41245781-GC-AA.
Other names: c.1766_1767delinsTT, p.Ser589Ile (NM_001407618.1, NM_001407619.1, NM_001407620.1 and 30 more transcripts); c.1763_1764delinsTT, p.Ser588Ile (NM_001407627.1, NM_001407636.1, NM_001407637.1 and 22 more transcripts); c.1757_1758delinsTT, p.Ser586Ile (NM_001407646.1, NM_001407647.1); c.1688_1689delinsTT, p.Ser563Ile (NM_001407657.1, NM_001407658.1, NM_001407663.1 and 4 more transcripts); c.1685_1686delinsTT, p.Ser562Ile (NM_001407659.1, NM_001407660.1, NM_001407661.1 and 1 more transcripts); c.1643_1644delinsTT, p.Ser548Ile (NM_001407664.1, NM_001407665.1, NM_001407666.1 and 19 more transcripts); c.1625_1626delinsTT, p.Ser542Ile (NM_001407694.1, NM_001407695.1, NM_001407696.1 and 29 more transcripts); c.1622_1623delinsTT, p.Ser541Ile (NM_001407740.1, NM_001407741.1, NM_001407742.1 and 20 more transcripts); and 40 more; short protein forms S461I, S500I, S519I, S521I, S547I, S588I, S293I, S477I.
Identifiers: ClinVar variation 4215128 (VCV004215128.1).
Genomic context (GRCh38, chr17:43,093,764, plus strand): 5'-ATTCTTTTTAGGTGCTTTTGAATTGTGGATATTTAATTCGAGTTCCATATTGCTTATACT[GC>AA]TGCTTATAGGTTCAGCTTTCGTTTTGAAAGCAGATTCTTTTTCGAGTGATTCTATTGGGT-3'
Protein context (NP_009225.1, residues 579-599): AFKTKAEPIS[Ser589Ile]SISNMELELN